The following is an entry in ClinVar:

ClinVar aggregate classification (germline): Pathogenic (1 of 4 stars; one submission).

Conditions:
Charcot-Marie-Tooth disease type 4. Also called: Charcot-Marie-Tooth, Type 4; Charcot-Marie-Tooth disease, type IV. Identifiers: Orphanet 64749, MedGen C4082197, MONDO:0018995.

Allele frequency attached by ClinVar (database versions not stated): TOPMed below 0.00001.

Submission:

Labcorp Genetics (formerly Invitae), Labcorp
Classification: Pathogenic for Charcot-Marie-Tooth disease type 4. Last evaluated: 2022-08-22. Review status: criteria provided, single submitter. Criteria: Invitae Variant Classification Sherloc (09022015). Collection method: clinical testing. Allele origin: germline.
Comment: For these reasons, this variant has been classified as Pathogenic. This variant has not been reported in the literature in individuals affected with FGD4-related conditions. This variant is not present in population databases (gnomAD no frequency). This sequence change creates a premature translational stop signal (p.Tyr486*) in the FGD4 gene. It is expected to result in an absent or disrupted protein product. Loss-of-function variants in FGD4 are known to be pathogenic (PMID: 17564972).

Literature cited by the submitters: PubMed 17564972.

NM_001370298.3(FGD4):c.1869T>G (p.Tyr623Ter)

Gene: FGD4 (FYVE, RhoGEF and PH domain containing 4; plus strand). Cytogenetic location: 12p11.21.
Variant type: single nucleotide variant.
Coding change: c.1869T>G on transcript NM_001370298.3 (MANE Select); coding-DNA position 1869, T replaced by G.
Protein change: p.Tyr623Ter; replaces tyrosine 623 with a stop codon.
Molecular consequence: nonsense.
Genome position (GRCh38, 1-based): chr12:32,619,817, T>G. VCF-style: chr12-32619817-T-G. GRCh37 (hg19) VCF-style: chr12-32772751-T-G.
Other names: c.1713T>G, p.Tyr571Ter (NM_001304481.2); c.714T>G, p.Tyr238Ter (NM_001304483.2); c.426T>G, p.Tyr142Ter (NM_001304484.2); c.1179T>G, p.Tyr393Ter (NM_001330373.2, NM_001330374.2, NM_001384130.1); c.906T>G, p.Tyr302Ter (NM_001370297.1); c.1869T>G, p.Tyr623Ter (NM_001384126.1); c.1458T>G, p.Tyr486Ter (NM_001384127.1, NM_001384128.1, NM_001385118.1 and 1 more transcripts); short protein forms Y142*, Y571*, Y623*, Y393*, Y302*, Y238*, Y486*.
Identifiers: ClinVar variation 2170744 (VCV002170744.4), dbSNP rs1949691247, ClinGen allele CA384364680.